The following is an entry in ClinVar:

NM_000142.5(FGFR3):c.1714C>T (p.Pro572Ser)

Gene: FGFR3 (fibroblast growth factor receptor 3; plus strand). Cytogenetic location: 4p16.3.
Variant type: single nucleotide variant.
Coding change: c.1714C>T on transcript NM_000142.5 (MANE Select); coding-DNA position 1714, C replaced by T.
Protein change: p.Pro572Ser; replaces proline 572 with serine.
Molecular consequence: missense variant. On other transcripts: non-coding transcript variant (1).
Genome position (GRCh38, 1-based): chr4:1,805,818, C>T. VCF-style: chr4-1805818-C-T. GRCh37 (hg19) VCF-style: chr4-1807545-C-T.
Other names: c.1720C>T, p.Pro574Ser (NM_001163213.2); c.1717C>T, p.Pro573Ser (NM_001354809.2, NM_001354810.2); c.1378C>T, p.Pro460Ser (NM_022965.4); short protein forms P460S, P572S, P573S, P574S.
Identifiers: ClinVar variation 3337110 (VCV003337110.2).

ClinVar aggregate classification (germline): Uncertain significance. Review status: criteria provided, multiple submitters, no conflicts (2 of 4 stars). 2 submissions from 2 submitters: Uncertain significance (2). Last evaluated 2026-09-03.

Conditions:
FGFR3-related disorder. Also called: FGFR3-related disorders.

gnomAD v4.1: 17 of 1,612,124 alleles (0.0011%); highest among the groups gnomAD compares: Non-Finnish European, 0.0014%; no homozygotes.

Submissions (2):

PreventionGenetics, part of Exact Sciences
Classification: Uncertain significance for FGFR3-related condition. Last evaluated: 2026-09-03. Review status: criteria provided, single submitter. Criteria: ACMG Guidelines, 2015. Collection method: clinical testing. Allele origin: germline.
Comment: The FGFR3 c.1714C>T variant is predicted to result in the amino acid substitution p.Pro572Ser. To our knowledge, this variant has not been reported in the literature. This variant is reported in 0.0091% of alleles in individuals of European (Non-Finnish) descent in gnomAD. At this time, the clinical significance of this variant is uncertain due to the absence of conclusive functional and genetic evidence.

Clinical Genetics Laboratory, Skane University Hospital Lund
Classification: Uncertain significance. Last evaluated: 2023-09-25. Review status: criteria provided, single submitter. Criteria: ACMG Guidelines, 2015. Collection method: clinical testing. Allele origin: germline. Affected: yes.